The following is an entry in ClinVar:

NM_006445.4(PRPF8):c.4687C>T (p.His1563Tyr)

Gene: PRPF8 (pre-mRNA processing factor 8; minus strand). Cytogenetic location: 17p13.3.
Variant type: single nucleotide variant.
Coding change: c.4687C>T on transcript NM_006445.4 (MANE Select); coding-DNA position 4687, C replaced by T.
Protein change: p.His1563Tyr; replaces histidine 1563 with tyrosine.
Molecular consequence: missense variant.
Genome position (GRCh38, 1-based): chr17:1,660,530, G>A on the plus strand (C>T on the coding strand, the complement: PRPF8 is on the minus strand). VCF-style: chr17-1660530-G-A. GRCh37 (hg19) VCF-style: chr17-1563824-G-A.
Other names: short protein forms H1563Y.
Identifiers: ClinVar variation 1878683 (VCV001878683.1), dbSNP rs2543732109, ClinGen allele CA397575552.

ClinVar aggregate classification (germline): Uncertain significance (1 of 4 stars; one submission).

Submission:

GeneDx
Classification: Uncertain significance. Last evaluated: 2022-07-14. Review status: criteria provided, single submitter. Criteria: GeneDx Variant Classification Process June 2021. Collection method: clinical testing. Allele origin: germline. Affected: yes.
Comment: Not observed at significant frequency in large population cohorts (gnomAD); In silico analysis supports that this missense variant has a deleterious effect on protein structure/function; Has not been previously published as pathogenic or benign to our knowledge